The following is an entry in ClinVar:

NM_005869.4(CWC27):c.476A>T (p.His159Leu)

Gene: CWC27 (CWC27 spliceosome associated cyclophilin; plus strand). Cytogenetic location: 5q12.3.
Variant type: single nucleotide variant.
Coding change: c.476A>T on transcript NM_005869.4 (MANE Select); coding-DNA position 476, A replaced by T.
Protein change: p.His159Leu; replaces histidine 159 with leucine.
Molecular consequence: missense variant.
Genome position (GRCh38, 1-based): chr5:64,785,560, A>T. VCF-style: chr5-64785560-A-T. GRCh37 (hg19) VCF-style: chr5-64081387-A-T.
Other names: c.476A>T, p.His159Leu (NM_001297644.1, NM_001297645.2, NM_001318000.2 and 1 more transcripts); short protein forms H159L.
Identifiers: ClinVar variation 1945314 (VCV001945314.5), dbSNP rs368541156, ClinGen allele CA359845506.
Genomic context (GRCh38, chr5:64,785,560, plus strand): 5'-ATAACATGTTGCGACTGTCAGAAGTAGACATTGATGATGACGAAAGACCACATAATCCAC[A>T]CAAAATAAAAAGCTGTGAGGTAGGAGCATGATTATTACGAGATACAGCACTTACATTGTC-3'
Protein context (NP_005860.2, residues 149-169): IDDDERPHNP[His159Leu]KIKSCEVLFN

ClinVar aggregate classification (germline): Uncertain significance (1 of 4 stars; one submission).

Submission:

Labcorp Genetics (formerly Invitae), Labcorp
Classification: Uncertain significance. Last evaluated: 2021-12-30. Review status: criteria provided, single submitter. Criteria: Invitae Variant Classification Sherloc (09022015). Collection method: clinical testing. Allele origin: germline.
Comment: In summary, the available evidence is currently insufficient to determine the role of this variant in disease. Therefore, it has been classified as a Variant of Uncertain Significance. Algorithms developed to predict the effect of missense changes on protein structure and function are either unavailable or do not agree on the potential impact of this missense change (SIFT: "Deleterious"; PolyPhen-2: "Probably Damaging"; Align-GVGD: "Class C0"). This variant has not been reported in the literature in individuals affected with CWC27-related conditions. This variant is present in population databases (no rsID available, gnomAD no frequency). This sequence change replaces histidine, which is basic and polar, with leucine, which is neutral and non-polar, at codon 159 of the CWC27 protein (p.His159Leu).